The following is an entry in ClinVar:

ClinVar aggregate classification (germline): Likely pathogenic (1 of 4 stars; one submission).

Conditions:
GNPTAB-mucolipidosis. Also called: UDP-N-acetylglucosamine-1-phosphotransferase subunit alpha/beta deficiency. Identifiers: MedGen CN322573, MONDO:0100122.

Submission:

Myriad Genetics, Inc.
Classification: Likely pathogenic for GNPTAB-mucolipidosis. Last evaluated: 2021-12-10. Review status: criteria provided, single submitter. Criteria: Myriad Autosomal Dominant, Autosomal Recessive and X-Linked Classification Criteria (2023). Collection method: clinical testing. Allele origin: unknown.
Comment: NM_024312.4(GNPTAB):c.1538G>A(W513*) is expected to be pathogenic in the context of GNPTAB-related disorders. This variant is predicted to lead to an abnormal or absent protein product due to the creation of a premature termination codon in GNPTAB, a gene where loss-of-function variants are known to be pathogenic. Please note: this variant was assessed in the context of healthy population screening.

NM_024312.5(GNPTAB):c.1538G>A (p.Trp513Ter)

Gene: GNPTAB (N-acetylglucosamine-1-phosphate transferase subunits alpha and beta; minus strand). Cytogenetic location: 12q23.2.
Variant type: single nucleotide variant.
Coding change: c.1538G>A on transcript NM_024312.5 (MANE Select); coding-DNA position 1538, G replaced by A.
Protein change: p.Trp513Ter; replaces tryptophan 513 with a stop codon.
Molecular consequence: nonsense.
Genome position (GRCh38, 1-based): chr12:101,766,165, C>T on the plus strand (G>A on the coding strand, the complement: GNPTAB is on the minus strand). VCF-style: chr12-101766165-C-T. GRCh37 (hg19) VCF-style: chr12-102159943-C-T.
Other names: short protein forms W513*.
Identifiers: ClinVar variation 1726270 (VCV001726270.3), dbSNP rs2547958660, ClinGen allele CA386301189.